The following is an entry in ClinVar:

NM_206933.4(USH2A):c.2965T>C (p.Tyr989His)

Genes: USH2A (usherin; minus strand), USH2A-AS1 (USH2A antisense RNA 1; plus strand). Cytogenetic location: 1q41.
Variant type: single nucleotide variant.
Coding change: c.2965T>C on transcript NM_206933.4 (MANE Select); coding-DNA position 2965, T replaced by C.
Protein change: p.Tyr989His; replaces tyrosine 989 with histidine.
Molecular consequence: missense variant.
Genome position (GRCh38, 1-based): chr1:216,231,981, A>G on the plus strand (T>C on the coding strand, the complement: USH2A is on the minus strand). VCF-style: chr1-216231981-A-G. GRCh37 (hg19) VCF-style: chr1-216405323-A-G.
Other names: c.2965T>C, p.Tyr989His (NM_007123.6); short protein forms Y989H.
Identifiers: ClinVar variation 4072720 (VCV004072720.1).

ClinVar aggregate classification (germline): Uncertain significance (1 of 4 stars; one submission).

Submission:

GeneDx
Classification: Uncertain significance. Last evaluated: 2025-02-03. Review status: criteria provided, single submitter. Criteria: GeneDx Variant Classification Process June 2021. Collection method: clinical testing. Allele origin: germline. Affected: yes.
Comment: Not observed at significant frequency in large population cohorts (gnomAD); In silico analysis supports that this missense variant has a deleterious effect on protein structure/function; Has not been previously published as pathogenic or benign to our knowledge